The following is an entry in ClinVar:

ClinVar aggregate classification (germline): Uncertain significance (1 of 4 stars; one submission).

Conditions:
Baller-Gerold syndrome (BGS). Also called: CRANIOSYNOSTOSIS WITH RADIAL DEFECTS. Identifiers: Orphanet 1225, MedGen C0265308, MONDO:0009039, OMIM 218600.

Allele frequency attached by ClinVar (database versions not stated): TOPMed 0.00006; ESP Exome Variant Server 0.00008.
gnomAD v4.1: 67 of 1,612,532 alleles (0.0042%); highest among the groups gnomAD compares: Non-Finnish European, 0.0049%; no homozygotes.

Submission:

Labcorp Genetics (formerly Invitae), Labcorp
Classification: Uncertain significance for Baller-Gerold syndrome. Last evaluated: 2025-11-10. Review status: criteria provided, single submitter. Criteria: Invitae Variant Classification Sherloc (09022015). Collection method: clinical testing. Allele origin: germline.
Comment: This sequence change replaces arginine, which is basic and polar, with tryptophan, which is neutral and slightly polar, at codon 355 of the RECQL4 protein (p.Arg355Trp). This variant is present in population databases (rs368601097, gnomAD 0.006%). This missense change has been observed in individual(s) with craniosynostosis (PMID: 29168297). ClinVar contains an entry for this variant (Variation ID: 459296). Invitae Evidence Modeling of protein sequence and biophysical properties (such as structural, functional, and spatial information, amino acid conservation, physicochemical variation, residue mobility, and thermodynamic stability) indicates that this missense variant is expected to disrupt RECQL4 protein function with a positive predictive value of 80%. In summary, the available evidence is currently insufficient to determine the role of this variant in disease. Therefore, it has been classified as a Variant of Uncertain Significance.

Literature cited by the submitters: PubMed 29168297.

NM_004260.4(RECQL4):c.1063C>T (p.Arg355Trp)

Gene: RECQL4 (RecQ like helicase 4; minus strand). Cytogenetic location: 8q24.3.
Variant type: single nucleotide variant.
Coding change: c.1063C>T on transcript NM_004260.4 (MANE Select); coding-DNA position 1063, C replaced by T.
Protein change: p.Arg355Trp; replaces arginine 355 with tryptophan.
Molecular consequence: missense variant.
Genome position (GRCh38, 1-based): chr8:144,516,056, G>A on the plus strand (C>T on the coding strand, the complement: RECQL4 is on the minus strand). VCF-style: chr8-144516056-G-A. GRCh37 (hg19) VCF-style: chr8-145741440-G-A.
Other names: short protein forms R355W.
Identifiers: ClinVar variation 459296 (VCV000459296.8), dbSNP rs368601097, ClinGen allele CA4949089.
Genomic context (GRCh38, chr8:144,516,056, plus strand): 5'-GGAGGAGCCTGCTACGGAGTGCCCGGCCCCGCACGTAGTGTTTCTGCTTCATGTTGAGCC[G>A]TACGTAATTGCCCCTGTCATGGCGGGCCAGCCGAGGGAAGATGTGCAGGGGGGCTGTGCC-3'
Protein context (NP_004251.4, residues 345-365): LARHDRGNYV[Arg355Trp]LNMKQKHYVR